The following is an entry in ClinVar:

ClinVar aggregate classification (germline): Pathogenic (1 of 4 stars; one submission).

Conditions:
Myofibrillar myopathy 4. Also called: Zaspopathy (type). Identifiers: Orphanet 98912, MedGen C4721886, MONDO:0012277, OMIM 609452.

Submission:

Labcorp Genetics (formerly Invitae), Labcorp
Classification: Pathogenic for Myofibrillar myopathy 4. Last evaluated: 2024-04-17. Review status: criteria provided, single submitter. Criteria: Invitae Variant Classification Sherloc (09022015). Collection method: clinical testing. Allele origin: germline.
Comment: The LDB3 gene has multiple clinically relevant transcripts. This variant occurs in alternate transcript NM_007078.3, and corresponds to NM_001080116.1:c.319A>T in the primary transcript. This sequence change creates a premature translational stop signal (p.Lys107*) in the LDB3 gene. It is expected to result in an absent or disrupted protein product in both transcripts. However, loss-of-function variants in LDB3 are only known to be pathogenic in the alternate transcript (PMID: 36253531). This variant is not present in population databases (gnomAD no frequency). This variant has not been reported in the literature in individuals affected with LDB3-related conditions. ClinVar contains an entry for this variant (Variation ID: 1058214). For these reasons, this variant has been classified as Pathogenic.

Literature cited by the submitters: PubMed 36253531.

NM_007078.3(LDB3):c.319A>T (p.Lys107Ter)

Gene: LDB3 (LIM domain binding 3; plus strand). Cytogenetic location: 10q23.2.
Variant type: single nucleotide variant.
Coding change: c.319A>T on transcript NM_007078.3 (MANE Select); coding-DNA position 319, A replaced by T.
Protein change: p.Lys107Ter; replaces lysine 107 with a stop codon.
Molecular consequence: nonsense.
Genome position (GRCh38, 1-based): chr10:86,680,155, A>T. VCF-style: chr10-86680155-A-T. GRCh37 (hg19) VCF-style: chr10-88439912-A-T.
Other names: c.319A>T, p.Lys107Ter (NM_001080114.2, NM_001080115.2, NM_001080116.1 and 8 more transcripts); short protein forms K107*.
Identifiers: ClinVar variation 1058214 (VCV001058214.7), dbSNP rs2132363967, ClinGen allele CA377452549.